The following is an entry in ClinVar:

NM_000719.7(CACNA1C):c.2602A>G (p.Lys868Glu)

Gene: CACNA1C (calcium voltage-gated channel subunit alpha1 C; plus strand). Cytogenetic location: 12p13.33.
Variant type: single nucleotide variant.
Coding change: c.2602A>G on transcript NM_000719.7 (MANE Select); coding-DNA position 2602, A replaced by G.
Protein change: p.Lys868Glu; replaces lysine 868 with glutamic acid.
Molecular consequence: missense variant.
Genome position (GRCh38, 1-based): chr12:2,593,284, A>G. VCF-style: chr12-2593284-A-G. GRCh37 (hg19) VCF-style: chr12-2702450-A-G.
Other names: c.2602A>G, p.Lys868Glu (NM_001129827.2, NM_001129829.2, NM_001129830.3 and 18 more transcripts); c.2593A>G, p.Lys865Glu (NM_001129844.2); short protein forms K865E, K868E.
Identifiers: ClinVar variation 3625157 (VCV003625157.3).
Genomic context (GRCh38, chr12:2,593,284, plus strand): 5'-GAGGAGGAGCCAGAGATGCCTGTCGGCCCTCGCCCACGACCACTCTCTGAGCTTCACCTT[A>G]AGGAAAAGGCAGTGCCCATGCCAGAAGCCAGCGCGTTTTTCATCTTCAGCTCTAACAACA-3'
Protein context (NP_000710.5, residues 858-878): RPRPLSELHL[Lys868Glu]EKAVPMPEAS

ClinVar aggregate classification (germline): Uncertain significance. Review status: criteria provided, multiple submitters, no conflicts (2 of 4 stars). 2 submissions from 2 submitters: Uncertain significance (2). Last evaluated 2025-03-24.

Conditions:
Long QT syndrome (LQTS). Identifiers: MedGen C0023976, MeSH D008133, MONDO:0002442. Disease mechanism: loss of function. Inheritance: Various modes of inheritance.

Submissions (2):

GeneDx
Classification: Uncertain significance. Last evaluated: 2025-03-24. Review status: criteria provided, single submitter. Criteria: GeneDx Variant Classification Process June 2021. Collection method: clinical testing. Allele origin: germline. Affected: yes.
Comment: Not observed at significant frequency in large population cohorts (gnomAD); In silico analysis supports that this missense variant has a deleterious effect on protein structure/function; Has not been previously published as pathogenic or benign to our knowledge

Labcorp Genetics (formerly Invitae), Labcorp
Classification: Uncertain significance for Long QT syndrome. Last evaluated: 2024-03-28. Review status: criteria provided, single submitter. Criteria: Invitae Variant Classification Sherloc (09022015). Collection method: clinical testing. Allele origin: germline.
Comment: This sequence change replaces lysine, which is basic and polar, with glutamic acid, which is acidic and polar, at codon 868 of the CACNA1C protein (p.Lys868Glu). This variant is not present in population databases (gnomAD no frequency). This variant has not been reported in the literature in individuals affected with CACNA1C-related conditions. Advanced modeling of protein sequence and biophysical properties (such as structural, functional, and spatial information, amino acid conservation, physicochemical variation, residue mobility, and thermodynamic stability) has been performed at Invitae for this missense variant, however the output from this modeling did not meet the statistical confidence thresholds required to predict the impact of this variant on CACNA1C protein function. In summary, the available evidence is currently insufficient to determine the role of this variant in disease. Therefore, it has been classified as a Variant of Uncertain Significance.